The following is an entry in ClinVar:

NM_206933.4(USH2A):c.5550T>A (p.Tyr1850Ter)

Genes: USH2A (usherin; minus strand), USH2A-AS2 (USH2A antisense RNA 2; plus strand). Cytogenetic location: 1q41.
Variant type: single nucleotide variant.
Coding change: c.5550T>A on transcript NM_206933.4 (MANE Select); coding-DNA position 5550, T replaced by A.
Protein change: p.Tyr1850Ter; replaces tyrosine 1850 with a stop codon.
Molecular consequence: nonsense.
Genome position (GRCh38, 1-based): chr1:216,078,111, A>T on the plus strand (T>A on the coding strand, the complement: USH2A is on the minus strand). VCF-style: chr1-216078111-A-T. GRCh37 (hg19) VCF-style: chr1-216251453-A-T.
Other names: short protein forms Y1850*.
Identifiers: ClinVar variation 979194 (VCV000979194.3), dbSNP rs763831329, ClinGen allele CA344855663.

ClinVar aggregate classification (germline): Pathogenic/Likely pathogenic. Review status: criteria provided, multiple submitters, no conflicts (2 of 4 stars). 3 submissions from 3 submitters: Pathogenic (2); Likely pathogenic (1). Last evaluated 2026-08-21.

Conditions:
USH2A-related disorder. Also called: USH2A-related disorders; USH2A-related condition. Identifiers: MedGen CN239332.
Monogenic hearing loss.
Usher syndrome type 2A. Also called: RETINAL DISEASE IN USHER SYNDROME TYPE IIA, MODIFIER OF; USHER SYNDROME, TYPE IIA. Identifiers: Orphanet 231178, Orphanet 886, MedGen C1848634, MONDO:0010169, OMIM 276901.

gnomAD v4.1: 1 of 1,613,650 alleles (0.000062%); highest among the groups gnomAD compares: Non-Finnish European, 0.000085%; no homozygotes.

Submissions (3):

Myriad Genetics, Inc.
Classification: Pathogenic for USH2A-related disorder. Last evaluated: 2026-08-21. Review status: criteria provided, single submitter. Criteria: Myriad Autosomal Dominant, Autosomal Recessive and X-Linked Classification Criteria (2023). Collection method: clinical testing. Allele origin: unknown.
Comment: NM_206933.2(USH2A):c.5550T>A(Y1850*) is expected to be pathogenic in the context of USH2A-related disorders. This variant is predicted to lead to an abnormal or absent protein product due to the creation of a premature termination codon in USH2A, a gene where loss-of-function variants are known to be pathogenic. Please note: this variant was assessed in the context of healthy population screening.

Genetics Laboratory, Great Ormond Street Hospital NHS Foundation Trust, North Thames Genomic Laboratory Hub
Classification: Pathogenic for Monogenic hearing loss. Last evaluated: 2025-08-01. Review status: criteria provided, single submitter. Criteria: ACGS Best Practice Guidelines for Variant Classification in Rare Disease 2024 v1.2. Collection method: clinical testing. Allele origin: germline. Affected: yes.
Comment: PM2_moderate, PVS1_very-strong

MVZ Martinsried, Medicover Genetics
Classification: Likely pathogenic for Usher syndrome type 2A. Last evaluated: 2020-08-18. Review status: criteria provided, single submitter. Criteria: ACGS Guidelines, 2020. Collection method: clinical testing. Allele origin: unknown. Affected: yes.